The following is an entry in ClinVar:

NM_173546.3(KLHDC8B):c.62G>A (p.Arg21Gln)

Gene: KLHDC8B (kelch domain containing 8B; plus strand). Cytogenetic location: 3p21.31.
Variant type: single nucleotide variant.
Coding change: c.62G>A on transcript NM_173546.3 (MANE Select); coding-DNA position 62, G replaced by A.
Protein change: p.Arg21Gln; replaces arginine 21 with glutamine.
Molecular consequence: missense variant.
Genome position (GRCh38, 1-based): chr3:49,172,831, G>A. VCF-style: chr3-49172831-G-A. GRCh37 (hg19) VCF-style: chr3-49210264-G-A.
Other names: short protein forms R21Q.
Identifiers: ClinVar variation 3618915 (VCV003618915.2).
Genomic context (GRCh38, chr3:49,172,831, plus strand): 5'-TGTCTGCAGGAGGTGGCCGGGCCTTTGCTTGGCAAGTGTTCCCCCCCATGCCCACTTGCC[G>A]GGTCTATGGCACAGTGGCACACCAAGATGGGCACCTGCTGGTGTTGGGGGGTTGTGGCCG-3'
Protein context (NP_775817.1, residues 11-31): WQVFPPMPTC[Arg21Gln]VYGTVAHQDG

ClinVar aggregate classification (germline): Uncertain significance (1 of 4 stars; one submission).

Submission:

Labcorp Genetics (formerly Invitae), Labcorp
Classification: Uncertain significance. Last evaluated: 2024-04-16. Review status: criteria provided, single submitter. Criteria: Invitae Variant Classification Sherloc (09022015). Collection method: clinical testing. Allele origin: germline.
Comment: This sequence change replaces arginine, which is basic and polar, with glutamine, which is neutral and polar, at codon 21 of the KLHDC8B protein (p.Arg21Gln). This variant is present in population databases (rs758956586, gnomAD 0.004%). This variant has not been reported in the literature in individuals affected with KLHDC8B-related conditions. An algorithm developed to predict the effect of missense changes on protein structure and function (PolyPhen-2) suggests that this variant is likely to be disruptive. In summary, the available evidence is currently insufficient to determine the role of this variant in disease. Therefore, it has been classified as a Variant of Uncertain Significance.